The following is an entry in ClinVar:

NM_005051.3(QARS1):c.631+1G>C

Gene: QARS1 (glutaminyl-tRNA synthetase 1; minus strand). Cytogenetic location: 3p21.31.
Variant type: single nucleotide variant.
Coding change: c.631+1G>C on transcript NM_005051.3 (MANE Select); the canonical splice donor site of the intron after coding-DNA position 631, G replaced by C.
Molecular consequence: splice donor variant.
Genome position (GRCh38, 1-based): chr3:49,102,204, C>G on the plus strand (G>C on the coding strand, the complement: QARS1 is on the minus strand). VCF-style: chr3-49102204-C-G. GRCh37 (hg19) VCF-style: chr3-49139637-C-G.
Other names: c.598+1G>C (NM_001272073.2).
Identifiers: ClinVar variation 1347360 (VCV001347360.8), dbSNP rs1230015326, ClinGen allele CA352715977.

ClinVar aggregate classification (germline): Likely pathogenic (1 of 4 stars; one submission).

Conditions:
Diffuse cerebral and cerebellar atrophy - intractable seizures - progressive microcephaly syndrome. Also called: Microcephaly, progressive, with seizures and cerebral and cerebellar atrophy. Identifiers: Orphanet 404437, MedGen C4014239, MONDO:0014335, OMIM 615760.

Submission:

Labcorp Genetics (formerly Invitae), Labcorp
Classification: Likely pathogenic for Diffuse cerebral and cerebellar atrophy - intractable seizures - progressive microcephaly syndrome. Last evaluated: 2022-08-23. Review status: criteria provided, single submitter. Criteria: Invitae Variant Classification Sherloc (09022015). Collection method: clinical testing. Allele origin: germline.
Comment: In summary, the currently available evidence indicates that the variant is pathogenic, but additional data are needed to prove that conclusively. Therefore, this variant has been classified as Likely Pathogenic. Algorithms developed to predict the effect of sequence changes on RNA splicing suggest that this variant may disrupt the consensus splice site. ClinVar contains an entry for this variant (Variation ID: 1347360). This variant has not been reported in the literature in individuals affected with QARS-related conditions. This sequence change affects a donor splice site in intron 7 of the QARS gene. It is expected to disrupt RNA splicing. Variants that disrupt the donor or acceptor splice site typically lead to a loss of protein function (PMID: 16199547), and loss-of-function variants in QARS are known to be pathogenic (PMID: 24656866, 25471517). This variant is not present in population databases (gnomAD no frequency).

Literature cited by the submitters: PubMed 16199547; PubMed 24656866; PubMed 25471517.